The following is an entry in ClinVar:

ClinVar aggregate classification (germline): Uncertain significance (1 of 4 stars; one submission).

Conditions:
POLD1-related polyposis and colorectal cancer syndrome (CRCS10). Also called: Colorectal cancer 10; COLORECTAL CANCER, SUSCEPTIBILITY TO, ON CHROMOSOME 19q; Colorectal cancer, susceptibility to, 10. Identifiers: Orphanet 220460, MedGen C2675481, MONDO:0012953, OMIM 612591.

Submission:

Labcorp Genetics (formerly Invitae), Labcorp
Classification: Uncertain significance for POLD1-related polyposis and colorectal cancer syndrome. Last evaluated: 2025-08-04. Review status: criteria provided, single submitter. Criteria: Invitae Variant Classification Sherloc (09022015). Collection method: clinical testing. Allele origin: germline.
Comment: This sequence change creates a premature translational stop signal (p.Cys1026*) in the POLD1 gene. Missense variants that disrupt the 3'-5' exonuclease (proof-reading) activity of the POLD1 protein are associated with PPAP (polymerase proofreading–associated polyposis) (PMID: 23263490, 23447401). However, loss-of-function variants that result in an absent or severely disrupted POLD1 protein, and missense variants outside the exonuclease domain, are unlikely to be associated with PPAP. This variant is not present in population databases (gnomAD no frequency). This variant has not been reported in the literature in individuals affected with POLD1-related conditions. In summary, the available evidence is currently insufficient to determine the role of this variant in disease. Therefore, it has been classified as a Variant of Uncertain Significance.

Literature cited by the submitters: PubMed 23263490; PubMed 23447401.

NM_002691.4(POLD1):c.3078_3079del (p.Cys1026_Glu1027delinsTer)

Gene: POLD1 (DNA polymerase delta 1, catalytic subunit; plus strand). Cytogenetic location: 19q13.33.
Variant type: Microsatellite.
Coding change: c.3078_3079del on transcript NM_002691.4 (MANE Select); coding-DNA positions 3078 to 3079, 2 bases deleted (TG; older notation c.3078_3079delTG).
Protein change: p.Cys1026_Glu1027delinsTer.
Molecular consequence: nonsense. On other transcripts: non-coding transcript variant (1).
Genome position (GRCh38, 1-based): chr19:50,417,055-50,417,056, TG deleted; deleting any 2 consecutive bases within chr19:50,417,050-50,417,056 gives the same sequence; the c. name uses the placement nearest the transcript's 3' end. VCF-style (leftmost placement, unchanged base first): chr19-50417049-CGT-C. GRCh37 (hg19) VCF-style: chr19-50920306-CGT-C.
Other names: c.3078_3079del, p.Cys1026_Glu1027delinsTer (NM_001256849.1); c.3156_3157del, p.Cys1052_Glu1053delinsTer (NM_001308632.1).
Identifiers: ClinVar variation 3004016 (VCV003004016.3), dbSNP rs2514074417, ClinGen allele CA2740096966.